The following is an entry in ClinVar:

NM_004304.5(ALK):c.877A>C (p.Ile293Leu)

Gene: ALK (ALK receptor tyrosine kinase; minus strand). Cytogenetic location: 2p23.2.
Variant type: single nucleotide variant.
Coding change: c.877A>C on transcript NM_004304.5 (MANE Select); coding-DNA position 877, A replaced by C.
Protein change: p.Ile293Leu; replaces isoleucine 293 with leucine.
Molecular consequence: missense variant.
Genome position (GRCh38, 1-based): chr2:29,694,925, T>G on the plus strand (A>C on the coding strand, the complement: ALK is on the minus strand). VCF-style: chr2-29694925-T-G. GRCh37 (hg19) VCF-style: chr2-29917791-T-G.
Other names: short protein forms I293L.
Identifiers: ClinVar variation 3524109 (VCV003524109.1).

ClinVar aggregate classification (germline): Uncertain significance (1 of 4 stars; one submission).

Conditions:
Hereditary cancer-predisposing syndrome. Also called: Hereditary Cancer Syndrome; Hereditary neoplastic syndrome; Tumor predisposition; Neoplastic Syndromes, Hereditary. Identifiers: Orphanet 140162, MedGen C0027672, MeSH D009386, MONDO:0015356.

Submission:

Ambry Genetics
Classification: Uncertain significance for Hereditary cancer-predisposing syndrome. Last evaluated: 2024-07-23. Review status: criteria provided, single submitter. Criteria: Ambry Variant Classification Scheme 2023. Collection method: clinical testing. Allele origin: germline.
Comment: The p.I293L variant (also known as c.877A>C), located in coding exon 3 of the ALK gene, results from an A to C substitution at nucleotide position 877. The isoleucine at codon 293 is replaced by leucine, an amino acid with highly similar properties. This amino acid position is conserved. In addition, this alteration is predicted to be tolerated by in silico analysis. Based on the available evidence, the clinical significance of this variant remains unclear.